The following is an entry in ClinVar:

NM_005618.4(DLL1):c.1169GCTGCC[3] (p.Cys393_Pro394insArgCys)

Gene: DLL1 (delta like canonical Notch ligand 1; minus strand). Cytogenetic location: 6q27.
Variant type: Microsatellite.
Coding change: c.1169GCTGCC[3] on transcript NM_005618.4 (MANE Select); three copies in a row of the 6-base unit GCTGCC starting at c.1169; the reference has two copies in a row; one copy, 6 bases duplicated; also written c.1175_1180dup.
Protein change: p.Cys393_Pro394insArgCys.
Molecular consequence: inframe insertion.
Genome position (GRCh38, 1-based): chr6:170,284,988-170,284,993, GGCAGC duplicated on the plus strand (GCTGCC on the coding strand, the reverse complement: DLL1 is on the minus strand); duplicating any 6 consecutive bases within chr6:170,284,988-170,284,999 gives the same sequence; the position shown is the placement nearest the transcript's 3' end. VCF-style (leftmost placement, unchanged base first): chr6-170284987-G-GGGCAGC. GRCh37 (hg19) VCF-style: chr6-170594075-G-GGGCAGC.
Other names: c.1175_1180dup (NM_005618.4).
Identifiers: ClinVar variation 4884085 (VCV004884085.2).

ClinVar aggregate classification (germline): Uncertain significance (1 of 4 stars; one submission).

Submission:

Dasa
Classification: Uncertain significance. Last evaluated: 2024-10-30. Review status: criteria provided, single submitter. Criteria: DASA Assertion Criteria. Collection method: clinical testing. Allele origin: germline.
Comment: NM_005618.4(DLL1):c.1175_1180dup (p.Arg392_Cys393dup) is an in-frame duplication predicted to duplicate amino acids from arginine at protein position 392 through cysteine at protein position 393 without shifting the reading frame. This variant is absent from population databases. The currently available literature and clinical evidence are not sufficient to establish a definitive association between this variant and the reported condition. Therefore, this variant is classified as a variant of uncertain significance.